The following is an entry in ClinVar:

NM_058195.4(CDKN2A):c.53C>T (p.Pro18Leu)

Gene: CDKN2A (cyclin dependent kinase inhibitor 2A; minus strand). Cytogenetic location: 9p21.3.
Variant type: single nucleotide variant.
Coding change: c.53C>T on transcript NM_058195.4 (MANE Plus Clinical); coding-DNA position 53, C replaced by T.
Protein change: p.Pro18Leu; replaces proline 18 with leucine.
Molecular consequence: missense variant. On other transcripts: intron variant (1).
Genome position (GRCh38, 1-based): chr9:21,994,279, G>A on the plus strand (C>T on the coding strand, the complement: CDKN2A is on the minus strand). VCF-style: chr9-21994279-G-A. GRCh37 (hg19) VCF-style: chr9-21994278-G-A.
Other names: c.-4+542C>T (NM_001363763.2); short protein forms P18L.
Identifiers: ClinVar variation 1003233 (VCV001003233.7), dbSNP rs1587358603, ClinGen allele CA373087034.

ClinVar aggregate classification (germline): Uncertain significance. Review status: criteria provided, multiple submitters, no conflicts (2 of 4 stars). 3 submissions from 3 submitters: Uncertain significance (3). Last evaluated 2025-08-25.

Conditions:
Hereditary cancer-predisposing syndrome. Also called: Tumor predisposition; Neoplastic Syndromes, Hereditary; Hereditary neoplastic syndrome; Hereditary Cancer Syndrome. Identifiers: Orphanet 140162, MedGen C0027672, MeSH D009386, MONDO:0015356.
Familial melanoma. Also called: Hereditary melanoma; Hereditary cutaneous melanoma. Identifiers: Orphanet 618, MedGen C1512419, MONDO:0018961.

Allele frequency attached by ClinVar (database versions not stated): gnomAD exomes below 0.00001.
gnomAD v4.1: 4 of 1,604,132 alleles (0.00025%); highest among the groups gnomAD compares: Non-Finnish European, 0.00034%; no homozygotes.

Submissions (3):

GeneDx
Classification: Uncertain significance. Last evaluated: 2025-08-25. Review status: criteria provided, single submitter. Criteria: GeneDx Variant Classification Process June 2021. Collection method: clinical testing. Allele origin: germline. Affected: yes.
Comment: Not observed at significant frequency in large population cohorts (gnomAD); In silico analysis supports that this missense variant has a deleterious effect on protein structure/function; Has not been previously published as pathogenic or benign to our knowledge; Reported using an alternate transcript of the gene; This variant is associated with the following publications: (PMID: 9529249, 9653180, 16173922)

Ambry Genetics
Classification: Uncertain significance for Hereditary cancer-predisposing syndrome. Last evaluated: 2025-06-12. Review status: criteria provided, single submitter. Criteria: Ambry Variant Classification Scheme 2023. Collection method: clinical testing. Allele origin: germline.
Comment: The p.P18L variant (also known as c.53C>T), located in coding exon 1 of the CDKN2A (p14ARF) gene, results from a C to T substitution at nucleotide position 53. The proline at codon 18 is replaced by leucine, an amino acid with similar properties. This amino acid position is well conserved in available vertebrate species. Based on the available evidence, the clinical significance of this variant remains unclear.

Labcorp Genetics (formerly Invitae), Labcorp
Classification: Uncertain significance for Familial melanoma. Last evaluated: 2021-07-14. Review status: criteria provided, single submitter. Criteria: Invitae Variant Classification Sherloc (09022015). Collection method: clinical testing. Allele origin: germline.